The following is an entry in ClinVar:

NM_000257.4(MYH7):c.451C>T (p.Pro151Ser)

Gene: MYH7 (myosin heavy chain 7; minus strand). Cytogenetic location: 14q11.2.
Variant type: single nucleotide variant.
Coding change: c.451C>T on transcript NM_000257.4 (MANE Select); coding-DNA position 451, C replaced by T.
Protein change: p.Pro151Ser; replaces proline 151 with serine.
Molecular consequence: missense variant.
Genome position (GRCh38, 1-based): chr14:23,432,690, G>A on the plus strand (C>T on the coding strand, the complement: MYH7 is on the minus strand). VCF-style: chr14-23432690-G-A. GRCh37 (hg19) VCF-style: chr14-23901899-G-A.
Other names: c.451C>T, p.Pro151Ser (NM_001407004.1); short protein forms P151S.
Identifiers: ClinVar variation 2887693 (VCV002887693.3), dbSNP rs2502317774, ClinGen allele CA389052794.

ClinVar aggregate classification (germline): Uncertain significance (1 of 4 stars; one submission).

Conditions:
Hypertrophic cardiomyopathy. Also called: HYPERTROPHIC MYOCARDIOPATHY. Identifiers: Orphanet 217569, MedGen C0007194, MeSH D002312, MONDO:0005045, HP:0001639.

Submission:

Labcorp Genetics (formerly Invitae), Labcorp
Classification: Uncertain significance for Hypertrophic cardiomyopathy. Last evaluated: 2023-06-29. Review status: criteria provided, single submitter. Criteria: Invitae Variant Classification Sherloc (09022015). Collection method: clinical testing. Allele origin: germline.
Comment: This sequence change replaces proline, which is neutral and non-polar, with serine, which is neutral and polar, at codon 151 of the MYH7 protein (p.Pro151Ser). This variant is not present in population databases (gnomAD no frequency). This variant has not been reported in the literature in individuals affected with MYH7-related conditions. Advanced modeling of protein sequence and biophysical properties (such as structural, functional, and spatial information, amino acid conservation, physicochemical variation, residue mobility, and thermodynamic stability) performed at Invitae indicates that this missense variant is expected to disrupt MYH7 protein function. In summary, the available evidence is currently insufficient to determine the role of this variant in disease. Therefore, it has been classified as a Variant of Uncertain Significance.